The following is an entry in ClinVar:

ClinVar aggregate classification (germline): Pathogenic (1 of 4 stars; one submission).

Conditions:
Intellectual disability, autosomal recessive 53 (NEDHSCA). Also called: GLYCOSYLPHOSPHATIDYLINOSITOL BIOSYNTHESIS DEFECT 13; Mental retardation, autosomal recessive 53; NEURODEVELOPMENTAL DISORDER WITH OR WITHOUT HYPOTONIA, SEIZURES, AND CEREBELLAR ATROPHY. Identifiers: Orphanet 488635, MedGen C4310794, MONDO:0014832, OMIM 616917.

Submission:

Labcorp Genetics (formerly Invitae), Labcorp
Classification: Pathogenic for Intellectual disability, autosomal recessive 53. Last evaluated: 2022-12-29. Review status: criteria provided, single submitter. Criteria: Invitae Variant Classification Sherloc (09022015). Collection method: clinical testing. Allele origin: germline.
Comment: This sequence change creates a premature translational stop signal (p.Tyr579Serfs*16) in the PIGG gene. It is expected to result in an absent or disrupted protein product. Loss-of-function variants in PIGG are known to be pathogenic (PMID: 26996948, 28581210, 28771251). This variant is not present in population databases (gnomAD no frequency). This variant has not been reported in the literature in individuals affected with PIGG-related conditions. For these reasons, this variant has been classified as Pathogenic.

Literature cited by the submitters: PubMed 26996948; PubMed 28581210; PubMed 28771251.

NM_001127178.3(PIGG):c.1736_1758del (p.Tyr579fs)

Gene: PIGG (phosphatidylinositol glycan anchor biosynthesis class G (EMM blood group); plus strand). Cytogenetic location: 4p16.3.
Variant type: Deletion.
Coding change: c.1736_1758del on transcript NM_001127178.3 (MANE Select); coding-DNA positions 1736 to 1758, 23 bases deleted (ACTTCCTTGTGAACACCCTGTGT).
Protein change: p.Tyr579fs; shifts the reading frame from tyrosine 579.
Molecular consequence: frameshift variant. On other transcripts: non-coding transcript variant (7).
Genome position (GRCh38, 1-based): chr4:523,580-523,602, ACTTCCTTGTGAACACCCTGTGT deleted; deleting any 23 consecutive bases within chr4:523,578-523,602 gives the same sequence; the c. name uses the placement nearest the transcript's 3' end. VCF-style (leftmost placement, unchanged base first): chr4-523577-GGTACTTCCTTGTGAACACCCTGT-G. GRCh37 (hg19) VCF-style: chr4-517366-GGTACTTCCTTGTGAACACCCTGT-G.
Other names: c.638_660del, p.Tyr213fs (NM_001345994.2); c.1712_1734del, p.Tyr571fs (NM_017733.5); c.1469_1491del, p.Tyr490fs (NM_001289051.2, NM_001345986.2); c.1337_1359del, p.Tyr446fs (NM_001289052.2); c.1445_1467del, p.Tyr482fs (NM_001345987.2); c.707_729del, p.Tyr236fs (NM_001345988.2); c.203_225del, p.Tyr68fs (NM_001345990.2, NM_001345991.2); short protein forms Y236fs, Y68fs, Y490fs, Y213fs, Y482fs, Y579fs, Y446fs, Y571fs.
Identifiers: ClinVar variation 2824790 (VCV002824790.3), dbSNP rs2474930870, ClinGen allele CA2669413882.